The following is an entry in ClinVar:

NM_000077.5(CDKN2A):c.281T>A (p.Leu94Gln)

Gene: CDKN2A (cyclin dependent kinase inhibitor 2A; minus strand). Cytogenetic location: 9p21.3.
Variant type: single nucleotide variant.
Coding change: c.281T>A on transcript NM_000077.5; coding-DNA position 281, T replaced by A.
Protein change: p.Leu94Gln; replaces leucine 94 with glutamine.
Molecular consequence: missense variant (on NM_000077.6). On other transcripts: synonymous variant (1), 3 prime UTR variant (1).
Genome position (GRCh38, 1-based): chr9:21,971,078, A>T on the plus strand (T>A on the coding strand, the complement: CDKN2A is on the minus strand). VCF-style: chr9-21971078-A-T. GRCh37 (hg19) VCF-style: chr9-21971077-A-T.
Other names: c.281T>A, p.Leu94Gln (NM_000077.6, NM_001195132.2); c.128T>A, p.Leu43Gln (NM_001363763.2); c.324T>A, p.Ala108= (NM_058195.4); c.*204T>A (NM_058197.5); short protein forms L43Q, L94Q.
Identifiers: ClinVar variation 1012195 (VCV001012195.3), dbSNP rs1819703656, ClinGen allele CA373086153.
Genomic context (GRCh38, chr9:21,971,078, plus strand): 5'-GGCAGACGGCCCCAGGCATCGCGCACGTCCAGCCGCGCCCCGGCCCGGTGCAGCACCACC[A>T]GCGTGTCCAGGAAGCCCTCCCGGGCAGCGTCGTGCACGGGTCGGGTGAGAGTGGCGGGGT-3'
Protein context (NP_000068.1, residues 84-104): DAAREGFLDT[Leu94Gln]VVLHRAGARL

ClinVar aggregate classification (germline): Conflicting classifications of pathogenicity. Review status: criteria provided, conflicting classifications (1 of 4 stars). 2 submissions from 2 submitters: Likely pathogenic (1); Uncertain significance (1). Last evaluated 2024-03-09.

Conditions:
Melanoma-pancreatic cancer syndrome. Identifiers: Orphanet 404560, MedGen C1838547, MONDO:0011713, OMIM 606719. Disease mechanism: loss of function.
Familial melanoma. Also called: Hereditary melanoma; Hereditary cutaneous melanoma. Identifiers: Orphanet 618, MedGen C1512419, MONDO:0018961.

Submissions (2):

Labcorp Genetics (formerly Invitae), Labcorp
Classification: Uncertain significance for Familial melanoma. Last evaluated: 2024-03-09. Review status: criteria provided, single submitter. Criteria: Invitae Variant Classification Sherloc (09022015). Collection method: clinical testing. Allele origin: germline.
Comment: This sequence change replaces leucine, which is neutral and non-polar, with glutamine, which is neutral and polar, at codon 94 of the CDKN2A (p16INK4a) protein (p.Leu94Gln). This variant is not present in population databases (gnomAD no frequency). This missense change has been observed in individual(s) with familial cutaneous melanoma (PMID: 14646619). ClinVar contains an entry for this variant (Variation ID: 1012195). An algorithm developed to predict the effect of missense changes on protein structure and function (PolyPhen-2) suggests that this variant is likely to be disruptive. In summary, the available evidence is currently insufficient to determine the role of this variant in disease. Therefore, it has been classified as a Variant of Uncertain Significance.

Department of Molecular Diagnostics, Institute of Oncology Ljubljana
Classification: Likely pathogenic for Melanoma-pancreatic cancer syndrome. Last evaluated: 2020-04-02. Review status: criteria provided, single submitter. Criteria: ACMG Guidelines, 2015. Collection method: clinical testing. Allele origin: germline. Affected: yes.

Literature cited by the submitters: PubMed 14646619 (cited by Labcorp Genetics (formerly Invitae), Labcorp).